The following is an entry in ClinVar:

ClinVar aggregate classification (germline): Uncertain significance (1 of 4 stars; one submission).

Conditions:
Multiple acyl-CoA dehydrogenase deficiency (MADD). Also called: Glutaric aciduria, type 2; Glutaric acidemia type II; GA 2; ETHYLMALONIC-ADIPICACIDURIA; GA II; Glutaric Acidemia type 2. Identifiers: Orphanet 26791, MedGen C0268596, MONDO:0009282, OMIM 231680.

Submission:

Labcorp Genetics (formerly Invitae), Labcorp
Classification: Uncertain significance for Multiple acyl-CoA dehydrogenase deficiency. Last evaluated: 2022-08-10. Review status: criteria provided, single submitter. Criteria: Invitae Variant Classification Sherloc (09022015). Collection method: clinical testing. Allele origin: germline.
Comment: This variant is a gross deletion of the genomic region encompassing exon(s) 11 of the ETFA gene. This variant would be expected to be in-frame, preserving the integrity of the reading frame. A similar copy number variant has been observed in individual(s) with ETFA-related conditions (PMID: 29096039). In summary, the available evidence is currently insufficient to determine the role of this variant in disease. Therefore, it has been classified as a Variant of Uncertain Significance.

Literature cited by the submitters: PubMed 29096039.

NC_000015.9:g.(?_76518170)_(76518290_?)del

Gene: ETFA (electron transfer flavoprotein subunit alpha; minus strand). Cytogenetic location: 15q24.2.
Variant type: Deletion.
Identifiers: ClinVar variation 2422387 (VCV002422387.4).